The following is an entry in ClinVar:

ClinVar aggregate classification (germline): Conflicting classifications of pathogenicity. Review status: criteria provided, conflicting classifications (1 of 4 stars). 2 submissions from 1 submitter: Uncertain significance (1); Likely benign (1). Last evaluated 2018-01-12.

Conditions:
Autosomal recessive osteopetrosis 7. Identifiers: Orphanet 178389, MedGen C2676766, MONDO:0012859, OMIM 612301.
Paget disease of bone 2, early-onset (PDB2). Also called: Paget disease of bone 2. Identifiers: MedGen C4085251, MONDO:0011183, OMIM 602080.

Allele frequency attached by ClinVar (database versions not stated): 1000 Genomes Project 0.00060; 1000 Genomes Project 30x 0.00078; gnomAD 0.00092 and 0.00100; TOPMed 0.00100.
gnomAD v4.1: 139 of 152,280 alleles (0.091%); highest among the groups gnomAD compares: Middle Eastern, 0.34%; 2 homozygotes.

Submissions (2):

Illumina Laboratory Services, Illumina
Classification: Likely benign for Autosomal recessive osteopetrosis 7. Last evaluated: 2018-01-12. Review status: criteria provided, single submitter. Criteria: ICSL Variant Classification Criteria 13 December 2019. Collection method: clinical testing. Allele origin: germline.
Comment: This variant was observed in the ICSL laboratory as part of a predisposition screen in an ostensibly healthy population. It had not been previously curated by ICSL or reported in the Human Gene Mutation Database (HGMD: prior to June 1st, 2018), and was therefore a candidate for classification through an automated scoring system. Utilizing variant allele frequency, disease prevalence and penetrance estimates, and inheritance mode, an automated score was calculated to assess if this variant is too frequent to cause the disease. Based on the score and internal cut-off values, a variant classified as likely benign is not then subjected to further curation. The score for this variant resulted in a classification of likely benign for this disease.

Illumina Laboratory Services, Illumina
Classification: Uncertain significance for Paget disease of bone 2, early-onset. Last evaluated: 2018-01-12. Review status: criteria provided, single submitter. Criteria: ICSL Variant Classification Criteria 13 December 2019. Collection method: clinical testing. Allele origin: germline.

NM_003839.4(TNFRSF11A):c.*1060C>T

Gene: TNFRSF11A (TNF receptor superfamily member 11a; plus strand). Cytogenetic location: 18q21.33.
Variant type: single nucleotide variant.
Coding change: c.*1060C>T on transcript NM_003839.4 (MANE Select); 1060 bases downstream of the stop codon, C replaced by T.
Molecular consequence: 3 prime UTR variant.
Genome position (GRCh38, 1-based): chr18:62,386,094, C>T. VCF-style: chr18-62386094-C-T. GRCh37 (hg19) VCF-style: chr18-60053327-C-T.
Other names: c.*1335C>T (NM_001270949.2); c.*1060C>T (NM_001270950.2, NM_001270951.2, NM_001278268.2).
Identifiers: ClinVar variation 891349 (VCV000891349.4), dbSNP rs572639953, ClinGen allele CA301715731.